The following is an entry in ClinVar:

NM_172362.3(KCNH1):c.1263A>C (p.Gln421His)

Gene: KCNH1 (potassium voltage-gated channel subfamily H member 1; minus strand). Cytogenetic location: 1q32.2.
Variant type: single nucleotide variant.
Coding change: c.1263A>C on transcript NM_172362.3 (MANE Select); coding-DNA position 1263, A replaced by C.
Protein change: p.Gln421His; replaces glutamine 421 with histidine.
Molecular consequence: missense variant.
Genome position (GRCh38, 1-based): chr1:210,919,839, T>G on the plus strand (A>C on the coding strand, the complement: KCNH1 is on the minus strand). VCF-style: chr1-210919839-T-G. GRCh37 (hg19) VCF-style: chr1-211093181-T-G.
Other names: c.1263A>C (NM_172362.2); c.1182A>C, p.Gln394His (NM_002238.4); short protein forms Q394H, Q421H.
Identifiers: ClinVar variation 2086067 (VCV002086067.5), dbSNP rs536422151, ClinGen allele CA1379900.

ClinVar aggregate classification (germline): Uncertain significance. Review status: criteria provided, multiple submitters, no conflicts (2 of 4 stars). 2 submissions from 2 submitters: Uncertain significance (2). Last evaluated 2025-06-03.

Allele frequency attached by ClinVar (database versions not stated): ExAC 0.00001; gnomAD 0.00001; gnomAD exomes 0.00001; 1000 Genomes Project 30x 0.00016; 1000 Genomes Project 0.00020.
gnomAD v4.1: 23 of 1,614,154 alleles (0.0014%); highest among the groups gnomAD compares: South Asian, 0.018%; 1 homozygote.

Submissions (2):

Labcorp Genetics (formerly Invitae), Labcorp
Classification: Uncertain significance. Last evaluated: 2025-06-03. Review status: criteria provided, single submitter. Criteria: Invitae Variant Classification Sherloc (09022015). Collection method: clinical testing. Allele origin: germline.
Comment: This sequence change replaces glutamine, which is neutral and polar, with histidine, which is basic and polar, at codon 421 of the KCNH1 protein (p.Gln421His). This variant is present in population databases (rs536422151, gnomAD 0.003%). This variant has not been reported in the literature in individuals affected with KCNH1-related conditions. ClinVar contains an entry for this variant (Variation ID: 2086067). Invitae Evidence Modeling of protein sequence and biophysical properties (such as structural, functional, and spatial information, amino acid conservation, physicochemical variation, residue mobility, and thermodynamic stability) has been performed for this missense variant. However, the output from this modeling did not meet the statistical confidence thresholds required to predict the impact of this variant on KCNH1 protein function. In summary, the available evidence is currently insufficient to determine the role of this variant in disease. Therefore, it has been classified as a Variant of Uncertain Significance.

GeneDx
Classification: Uncertain significance. Last evaluated: 2023-01-09. Review status: criteria provided, single submitter. Criteria: GeneDx Variant Classification Process June 2021. Collection method: clinical testing. Allele origin: germline. Affected: yes.
Comment: Not observed at significant frequency in large population cohorts (gnomAD); In silico analysis supports that this missense variant has a deleterious effect on protein structure/function; Has not been previously published as pathogenic or benign to our knowledge